The following is an entry in ClinVar:

ClinVar aggregate classification (germline): Uncertain significance (1 of 4 stars; one submission).

Conditions:
Autosomal dominant Parkinson disease 8. Also called: Parkinson disease 8, susceptibility to; LRRK2-Related Parkinson Disease; Parkinson disease 8. Identifiers: Orphanet 411602, MedGen C1846862, MONDO:0011764, OMIM 607060.

Allele frequency attached by ClinVar (database versions not stated): gnomAD exomes below 0.00001.
gnomAD v4.1: 1 of 1,613,964 alleles (0.000062%); highest among the groups gnomAD compares: South Asian, 0.0011%; no homozygotes.

Submission:

Labcorp Genetics (formerly Invitae), Labcorp
Classification: Uncertain significance for Autosomal dominant Parkinson disease 8. Last evaluated: 2022-09-20. Review status: criteria provided, single submitter. Criteria: Invitae Variant Classification Sherloc (09022015). Collection method: clinical testing. Allele origin: germline.
Comment: In summary, the available evidence is currently insufficient to determine the role of this variant in disease. Therefore, it has been classified as a Variant of Uncertain Significance. Advanced modeling of protein sequence and biophysical properties (such as structural, functional, and spatial information, amino acid conservation, physicochemical variation, residue mobility, and thermodynamic stability) has been performed at Invitae for this missense variant, however the output from this modeling did not meet the statistical confidence thresholds required to predict the impact of this variant on LRRK2 protein function. This variant has not been reported in the literature in individuals affected with LRRK2-related conditions. This variant is not present in population databases (gnomAD no frequency). This sequence change replaces tyrosine, which is neutral and polar, with cysteine, which is neutral and slightly polar, at codon 1092 of the LRRK2 protein (p.Tyr1092Cys).

NM_198578.4(LRRK2):c.3275A>G (p.Tyr1092Cys)

Gene: LRRK2 (leucine rich repeat kinase 2; plus strand). Cytogenetic location: 12q12.
Variant type: single nucleotide variant.
Coding change: c.3275A>G on transcript NM_198578.4 (MANE Select); coding-DNA position 3275, A replaced by G.
Protein change: p.Tyr1092Cys; replaces tyrosine 1092 with cysteine.
Molecular consequence: missense variant.
Genome position (GRCh38, 1-based): chr12:40,298,421, A>G. VCF-style: chr12-40298421-A-G. GRCh37 (hg19) VCF-style: chr12-40692223-A-G.
Other names: short protein forms Y1092C.
Identifiers: ClinVar variation 1719876 (VCV001719876.5), dbSNP rs2499746632, ClinGen allele CA384414949.